The following is an entry in ClinVar:

ClinVar aggregate classification (germline): Benign (1 of 4 stars; one submission).

Allele frequency attached by ClinVar (database versions not stated): TOPMed 0.74621; gnomAD 0.75107 and 0.75146; 1000 Genomes Project 0.77975; 1000 Genomes Project 30x 0.78092.
gnomAD v4.1: 114,243 of 152,114 alleles (75%); highest among the groups gnomAD compares: East Asian, 85%; 43,132 homozygotes.

Submission:

GeneDx
Classification: Benign. Last evaluated: 2018-06-14. Review status: criteria provided, single submitter. Criteria: GeneDx Variant Classification (06012015). Collection method: clinical testing. Allele origin: germline. Affected: yes.
Comment: This variant is considered likely benign or benign based on one or more of the following criteria: it is a conservative change, it occurs at a poorly conserved position in the protein, it is predicted to be benign by multiple in silico algorithms, and/or has population frequency not consistent with disease.

NM_001358921.2(COQ2):c.543-247T>C

Gene: COQ2 (coenzyme Q2, polyprenyltransferase; minus strand). Cytogenetic location: 4q21.23.
Variant type: single nucleotide variant.
Coding change: c.543-247T>C on transcript NM_001358921.2 (MANE Select); 247 bases into the intron before coding-DNA position 543, T replaced by C.
Molecular consequence: intron variant.
Genome position (GRCh38, 1-based): chr4:83,272,419, A>G on the plus strand (T>C on the coding strand, the complement: COQ2 is on the minus strand). VCF-style: chr4-83272419-A-G. GRCh37 (hg19) VCF-style: chr4-84193572-A-G.
Other names: c.693-247T>C (NM_015697.9).
Identifiers: ClinVar variation 683553 (VCV000683553.1), dbSNP rs6818873, ClinGen allele CA100653007.
Genomic context (GRCh38, chr4:83,272,419, plus strand): 5'-AAATGTTATAAAACAATCAAACAAAATAATAGCTAACACATACAGTACTATCATGTATTA[A>G]GCACTATTCTAAGTGAATCACACTTGTTAATTCATTATAATCTTCACAATGACTCCAAAA-3'